The following is an entry in ClinVar:

NM_000352.6(ABCC8):c.2256-9C>T

Gene: ABCC8 (ATP binding cassette subfamily C member 8; minus strand). Cytogenetic location: 11p15.1.
Variant type: single nucleotide variant.
Coding change: c.2256-9C>T on transcript NM_000352.6 (MANE Select); 9 bases into the intron before coding-DNA position 2256, C replaced by T.
Molecular consequence: intron variant.
Genome position (GRCh38, 1-based): chr11:17,415,348, G>A on the plus strand (C>T on the coding strand, the complement: ABCC8 is on the minus strand). VCF-style: chr11-17415348-G-A. GRCh37 (hg19) VCF-style: chr11-17436895-G-A.
Other names: c.2253-9C>T (NM_001351297.2); c.2256-9C>T (NM_001351296.2); c.2322-9C>T (NM_001351295.2); c.2259-9C>T (NM_001287174.3).
Identifiers: ClinVar variation 303775 (VCV000303775.10), dbSNP rs886048052, ClinGen allele CA10630470.

ClinVar aggregate classification (germline): Conflicting classifications of pathogenicity. Review status: criteria provided, conflicting classifications (1 of 4 stars). 6 submissions from 3 submitters: Uncertain significance (5); Likely benign (1). Last evaluated 2026-02-04.

Conditions:
Transitory neonatal diabetes mellitus. Also called: Transient neonatal diabetes mellitus. Identifiers: MedGen C0342273, MONDO:0020525, HP:0008255.
Maturity-onset diabetes of the young (MODY). Also called: Maturity onset diabetes mellitus in young. Identifiers: Orphanet 552, MedGen C0342276, MONDO:0018911, HP:0004904.
Permanent neonatal diabetes mellitus (PNDM). Identifiers: Orphanet 99885, MedGen C1833104, MONDO:0100164, MONDO:0011643. Disease mechanism: gain of function.
Diabetes mellitus, transient neonatal, 2 (TNDM2). Identifiers: Orphanet 99886, MedGen C1835887, MONDO:0012480, OMIM 610374. Disease mechanism: loss of function.
Hyperinsulinemic hypoglycemia, familial, 1 (HHF1). Also called: Persistent hyperinsulinemic hypoglycemia of infancy; HYPERINSULINISM, FAMILIAL, WITH PANCREATIC NESIDIOBLASTOSIS; HYPOGLYCEMIA, HYPERINSULINEMIC, OF INFANCY; NESIDIOBLASTOSIS OF PANCREAS; Persistent Hyperinsulinemia Hypoglycemia of Infancy. Identifiers: Orphanet 276575, Orphanet 276598, MedGen C2931832, MONDO:0009734, OMIM 256450.

Submissions (6):

Labcorp Genetics (formerly Invitae), Labcorp
Classification: Likely benign. Last evaluated: 2026-02-04. Review status: criteria provided, single submitter. Criteria: Invitae Variant Classification Sherloc (09022015). Collection method: clinical testing. Allele origin: germline.

Illumina Laboratory Services, Illumina
Classification: Uncertain significance for Permanent neonatal diabetes mellitus 1. Last evaluated: 2018-01-13. Review status: criteria provided, single submitter. Criteria: ICSL Variant Classification Criteria 13 December 2019. Collection method: clinical testing. Allele origin: germline.

Illumina Laboratory Services, Illumina
Classification: Uncertain significance for Hyperinsulinemic hypoglycemia, familial, 1. Last evaluated: 2018-01-13. Review status: criteria provided, single submitter. Criteria: ICSL Variant Classification Criteria 13 December 2019. Collection method: clinical testing. Allele origin: germline.

Illumina Laboratory Services, Illumina
Classification: Uncertain significance for Diabetes mellitus, transient neonatal, 2. Last evaluated: 2018-01-13. Review status: criteria provided, single submitter. Criteria: ICSL Variant Classification Criteria 13 December 2019. Collection method: clinical testing. Allele origin: germline.

Clinical Genomics, Uppaluri K&H Personalized Medicine Clinic
Classification: Uncertain significance for Transitory neonatal diabetes mellitus. Review status: criteria provided, single submitter. Criteria: K & H Uppaluri Personalized Medicine Clinic Variant Classification & Assertion Criteria_Updated V.1. Collection method: research. Allele origin: unknown. Inheritance: Somatic mutation.
Comment: Mutations in ABCC8 gene are associated with both neonatal diabetes mellitus as well as MODY. Patients with this mutation may have a better response to sulfonylureas. However, no sufficient evidence is found to ascertain the role of this particular variant (rs886048052) in neonatal diabetes yet.

Clinical Genomics, Uppaluri K&H Personalized Medicine Clinic
Classification: Uncertain significance for Maturity-onset diabetes of the young. Review status: criteria provided, single submitter. Criteria: K & H Uppaluri Personalized Medicine Clinic Variant Classification & Assertion Criteria_Updated V.1. Collection method: research. Allele origin: unknown. Inheritance: Somatic mutation.
Comment: Mutations in ABCC8 gene are associated with both neonatal diabetes mellitus as well as MODY. Patients with this mutation may have a better response to sulfonylureas. However, no sufficient evidence is found to ascertain the role of this particular variant (rs886048052) in MODY yet.

Literature cited by the submitters: PubMed 16885549 (cited by Clinical Genomics, Uppaluri K&H Personalized Medicine Clinic); PubMed 21989597 (cited by Clinical Genomics, Uppaluri K&H Personalized Medicine Clinic); PubMed 27538677 (cited by Clinical Genomics, Uppaluri K&H Personalized Medicine Clinic); PubMed 18981553 (cited by Clinical Genomics, Uppaluri K&H Personalized Medicine Clinic); PubMed 32027066 (cited by Clinical Genomics, Uppaluri K&H Personalized Medicine Clinic); PubMed 16613899 (cited by Clinical Genomics, Uppaluri K&H Personalized Medicine Clinic); PubMed 18025408 (cited by Clinical Genomics, Uppaluri K&H Personalized Medicine Clinic); PubMed 32792356 (cited by Clinical Genomics, Uppaluri K&H Personalized Medicine Clinic).